The following is an entry in ClinVar:

ClinVar aggregate classification (germline): Pathogenic. Review status: criteria provided, single submitter (1 of 4 stars). 2 submissions from 2 submitters: Pathogenic (1). 1 of the submissions does not count toward it. Last evaluated 2024-05-09.

Conditions:
NADSYN1-related disorder. Also called: NADSYN1-related condition.

gnomAD v4.1: 5 of 1,613,208 alleles (0.00031%); highest among the groups gnomAD compares: Admixed American, 0.0083%; no homozygotes.

Submissions (2):

GeneDx
Classification: Pathogenic. Last evaluated: 2024-05-09. Review status: criteria provided, single submitter. Criteria: GeneDx Variant Classification Process June 2021. Collection method: clinical testing. Allele origin: germline. Affected: yes.
Comment: Canonical splice site variant predicted to result in a null allele in a gene for which loss of function is a known mechanism of disease; This variant is associated with the following publications: (PMID: 35491967)

PreventionGenetics, part of Exact Sciences
Classification: Uncertain significance for NADSYN1-related condition. Last evaluated: 2024-05-17. Review status: no assertion criteria provided. Collection method: clinical testing. Allele origin: germline. Not counted in ClinVar's aggregate classification.
Comment: The NADSYN1 c.85+1G>C variant is predicted to disrupt the GT donor site and interfere with normal splicing. This variant was reported in the compound heterozygous state with a second NADSYN1 variant an individual with cardiac and vertebral defects (overlapping with VACTERL) (Kortbawi et al 2022. PubMed ID: 35491967). This variant is reported in 0.0087% of alleles in individuals of Latino descent in gnomAD. Although we suspect this variant is pathogenic, at this time, the clinical significance of this variant is uncertain due to the absence of conclusive functional and genetic evidence.

NM_018161.5(NADSYN1):c.85+1G>C

Gene: NADSYN1 (NAD synthetase 1; plus strand). Cytogenetic location: 11q13.4.
Variant type: single nucleotide variant.
Coding change: c.85+1G>C on transcript NM_018161.5 (MANE Select); the canonical splice donor site of the intron after coding-DNA position 85, G replaced by C.
Molecular consequence: splice donor variant.
Genome position (GRCh38, 1-based): chr11:71,453,382, G>C. VCF-style: chr11-71453382-G-C. GRCh37 (hg19) VCF-style: chr11-71164428-G-C.
Identifiers: ClinVar variation 3351528 (VCV003351528.2).